The following is an entry in ClinVar:

NM_000465.4(BARD1):c.2300_2301dup (p.Met768Ter)

Gene: BARD1 (BRCA1 associated RING domain 1; minus strand). Cytogenetic location: 2q35.
Variant type: Microsatellite.
Coding change: c.2300_2301dup on transcript NM_000465.4 (MANE Select); coding-DNA positions 2300 to 2301, 2 bases duplicated (TG; older notation c.2300_2301dupTG).
Protein change: p.Met768Ter; replaces methionine 768 with a stop codon.
Molecular consequence: nonsense. On other transcripts: non-coding transcript variant (3).
Genome position (GRCh38, 1-based): chr2:214,728,709-214,728,710, CA duplicated on the plus strand (TG on the coding strand, the reverse complement: BARD1 is on the minus strand); duplicating any 2 consecutive bases within chr2:214,728,709-214,728,714 gives the same sequence; the c. name uses the placement nearest the transcript's 3' end. VCF-style (leftmost placement, unchanged base first): chr2-214728708-T-TCA. GRCh37 (hg19) VCF-style: chr2-215593432-T-TCA.
Other names: c.2243_2244dup, p.Met749Ter (NM_001282543.2); c.947_948dup, p.Met317Ter (NM_001282545.2); c.890_891dup, p.Met298Ter (NM_001282548.2); c.761_762dup, p.Met255Ter (NM_001282549.2); short protein forms M255*, M298*, M317*, M749*, M768*.
Identifiers: ClinVar variation 2583691 (VCV002583691.2), dbSNP rs750413473, ClinGen allele CA2582342075.
Genomic context (GRCh38, chr2:214,728,708, plus strand): 5'-AATTTGAAATGTTCATCTGGTATAATATTCAGCTGTCAAGAGGAAGCAACTCAAAGGACA[T>TCA]CACACAGTCTATAAACCAGCTCGAAGGAGCCTTCCAGACTTTGCCCTGCCGAACCCTCTC-3'

ClinVar aggregate classification (germline): Pathogenic (1 of 4 stars; one submission).

Conditions:
Familial cancer of breast. Also called: Hereditary breast cancer; BREAST CANCER, FAMILIAL; hereditary breast carcinoma. Identifiers: Orphanet 227535, MedGen C0346153, MONDO:0016419, OMIM 114480. Disease mechanism: loss of function.

Submission:

Myriad Genetics, Inc.
Classification: Pathogenic for Familial cancer of breast. Last evaluated: 2023-05-25. Review status: criteria provided, single submitter. Criteria: Myriad Autosomal Dominant, Autosomal Recessive and X-Linked Classification Criteria (2023). Collection method: clinical testing. Allele origin: unknown.
Comment: This variant is considered pathogenic. This variant creates a termination codon and is predicted to result in premature protein truncation.